The following is an entry in ClinVar:

ClinVar aggregate classification (germline): Conflicting classifications of pathogenicity. Review status: criteria provided, conflicting classifications (1 of 4 stars). 3 submissions from 3 submitters: Uncertain significance (1); Likely benign (1). 1 of the submissions does not count toward it. Last evaluated 2024-08-06.

Conditions:
BRCA1-related cancer predisposition. Identifiers: MedGen CN377757, MONDO:0700268.
Hereditary cancer-predisposing syndrome. Also called: Tumor predisposition; Neoplastic Syndromes, Hereditary; Hereditary Cancer Syndrome; Hereditary neoplastic syndrome. Identifiers: Orphanet 140162, MedGen C0027672, MeSH D009386, MONDO:0015356.
Breast-ovarian cancer, familial, susceptibility to, 1 (BROVCA1). Also called: OVARIAN CANCER, SUSCEPTIBILITY TO; BRCA1 Hereditary Breast and Ovarian Cancer. Identifiers: Orphanet 145, MedGen C2676676, MONDO:0011450, OMIM 604370. Disease mechanism: loss of function.

Allele frequency attached by ClinVar (database versions not stated): gnomAD exomes below 0.00001.
gnomAD v4.1: 1 of 1,614,068 alleles (0.000062%); highest among the groups gnomAD compares: Non-Finnish European, 0.000085%; no homozygotes.

Submissions (3):

All of Us Research Program, National Institutes of Health
Classification: Uncertain significance for BRCA1-related cancer predisposition. Last evaluated: 2024-08-06. Review status: criteria provided, single submitter. Criteria: ACMG Guidelines, 2015. Collection method: clinical testing. Allele origin: germline. Inheritance: Autosomal dominant inheritance. Observed: 2 variant alleles, 2 heterozygotes.
Comment: This study involves interpretation of variants in research participants for the purpose of population health screening. Participant phenotype was not available at the time of variant classification. Additional details can be found in publication PMID: 35346344, PMCID: PMC8962531

University of Washington Department of Laboratory Medicine, University of Washington
Classification: Likely benign for Hereditary cancer-predisposing syndrome. Last evaluated: 2023-03-23. Review status: criteria provided, single submitter. Criteria: Dines et al. (Genet Med. 2020). Collection method: curation. Allele origin: germline.
Comment: Missense variant in a coldspot region where missense variants are very unlikely to be pathogenic (PMID:31911673).

BRCA1 coldspot (exon 11 using historical exon numbering). Reclassification based on statistical prior probability

Breast Cancer Information Core (BIC) (BRCA1)
Classification: Uncertain significance for Breast-ovarian cancer, familial 1. Last evaluated: 2006-07-19. Review status: no assertion criteria provided. Collection method: clinical testing. Allele origin: germline. Affected: yes. Observed: 1 variant allele. Not counted in ClinVar's aggregate classification.

NM_007294.4(BRCA1):c.1964A>T (p.Tyr655Phe)

Gene: BRCA1 (BRCA1 DNA repair associated; minus strand). Cytogenetic location: 17q21.31.
Variant type: single nucleotide variant.
Coding change: c.1964A>T on transcript NM_007294.4 (MANE Select); coding-DNA position 1964, A replaced by T.
Protein change: p.Tyr655Phe; replaces tyrosine 655 with phenylalanine.
Molecular consequence: missense variant. On other transcripts: intron variant (137).
Genome position (GRCh38, 1-based): chr17:43,093,567, T>A on the plus strand (A>T on the coding strand, the complement: BRCA1 is on the minus strand). VCF-style: chr17-43093567-T-A. GRCh37 (hg19) VCF-style: chr17-41245584-T-A.
Other names: c.784+1177A>T (NM_001407986.1, NM_001407972.1, NM_001408397.1 and 13 more transcripts); c.664+1177A>T (NM_001408441.1, NM_001408437.1, NM_001408429.1 and 12 more transcripts); c.787+1177A>T (NM_001407979.1, NM_001407977.1, NM_001407982.1 and 19 more transcripts); c.646+1177A>T (NM_001408410.1, NM_001408458.1, NM_001408469.1 and 11 more transcripts); c.709+1177A>T (NM_001408415.1, NM_001408412.1, NM_001408409.1 and 2 more transcripts); c.577+1177A>T (NM_001408483.1, NM_001408481.1, NM_001408480.1 and 9 more transcripts); c.1751A>T, p.Tyr584Phe (NM_001407571.1, NM_001407853.1, NM_001407894.1 and 9 more transcripts); c.1964A>T, p.Tyr655Phe (NM_001407581.1, NM_001407582.1, NM_001407583.1 and 30 more transcripts); and 40 more; short protein forms Y655F, Y608F, Y567F, Y613F, Y652F, Y543F, Y584F, Y585F.
Identifiers: ClinVar variation 54421 (VCV000054421.6), dbSNP rs80357193, ClinGen allele CA001309.